The following is an entry in ClinVar:

NM_014989.7(RIMS1):c.1447C>G (p.Leu483Val)

Gene: RIMS1 (regulating synaptic membrane exocytosis 1; plus strand). Cytogenetic location: 6q13.
Variant type: single nucleotide variant.
Coding change: c.1447C>G on transcript NM_014989.7 (MANE Select); coding-DNA position 1447, C replaced by G.
Protein change: p.Leu483Val; replaces leucine 483 with valine.
Molecular consequence: missense variant.
Genome position (GRCh38, 1-based): chr6:72,182,918, C>G. VCF-style: chr6-72182918-C-G. GRCh37 (hg19) VCF-style: chr6-72892621-C-G.
Other names: short protein forms L483V.
Identifiers: ClinVar variation 3356231 (VCV003356231.1).

ClinVar aggregate classification (germline): Uncertain significance (0 of 4 stars; one submission).

Conditions:
RIMS1-related disorder. Also called: RIMS1-related condition.

Submission:

PreventionGenetics, part of Exact Sciences
Classification: Uncertain significance for RIMS1-related condition. Last evaluated: 2024-04-17. Review status: no assertion criteria provided. Collection method: clinical testing. Allele origin: germline.
Comment: The RIMS1 c.1447C>G variant is predicted to result in the amino acid substitution p.Leu483Val. To our knowledge, this variant has not been reported in the literature or in a large population database, indicating this variant is rare. At this time, the clinical significance of this variant is uncertain due to the absence of conclusive functional and genetic evidence.